The following is an entry in ClinVar:

NC_000017.11:g.(?_58720736)_(58720822_?)dup

Gene: RAD51C (RAD51 paralog C; plus strand). Cytogenetic location: 17q22.
Variant type: Duplication.
Identifiers: ClinVar variation 833504 (VCV000833504.2).

ClinVar aggregate classification (germline): Likely pathogenic (1 of 4 stars; one submission).

Conditions:
Fanconi anemia complementation group O. Also called: RAD51C-Related Fanconi Anemia. Identifiers: Orphanet 84, MedGen C3150653, MONDO:0013248, OMIM 613390.

Submission:

Labcorp Genetics (formerly Invitae), Labcorp
Classification: Likely pathogenic for Fanconi anemia complementation group O. Last evaluated: 2021-08-04. Review status: criteria provided, single submitter. Criteria: Invitae Variant Classification Sherloc (09022015). Collection method: clinical testing. Allele origin: germline.
Comment: This variant results in a copy number gain of the genomic region encompassing exon(s) 6 of the RAD51C gene. While the exact position of this variant cannot be determined from the data, sub-genic copy number gains are generally in tandem (PMID: 25640679). This variant is predicted to be out-of-frame, and may result in an absent or disrupted protein product. Loss-of-function variants in RAD51C are known to be pathogenic (PMID: 20400964, 21990120, 24800917). This variant has not been reported in the literature in individuals affected with RAD51C-related conditions. In summary, the currently available evidence indicates that the variant is pathogenic, but additional data are needed to prove that conclusively. Therefore, this variant has been classified as Likely Pathogenic.

Literature cited by the submitters: PubMed 25640679; PubMed 20400964; PubMed 21990120; PubMed 24800917.